The following is an entry in ClinVar:

NM_003072.5(SMARCA4):c.4807_4809del (p.Glu1603del)

Gene: SMARCA4 (SWI/SNF related BAF chromatin remodeling complex subunit ATPase 4; plus strand). Cytogenetic location: 19p13.2.
Variant type: Deletion.
Coding change: c.4807_4809del on transcript NM_003072.5 (MANE Select); coding-DNA positions 4807 to 4809, 3 bases deleted (GAG; older notation c.4807_4809delGAG).
Protein change: p.Glu1603del; deletes glutamic acid 1603.
Molecular consequence: inframe deletion. On other transcripts: non-coding transcript variant (1).
Genome position (GRCh38, 1-based): chr19:11,060,083-11,060,085, GAG deleted; deleting any 3 consecutive bases within chr19:11,060,081-11,060,085 gives the same sequence; the c. name uses the placement nearest the transcript's 3' end. VCF-style (leftmost placement, unchanged base first): chr19-11060080-AAGG-A. GRCh37 (hg19) VCF-style: chr19-11170756-AAGG-A.
Other names: c.4807_4809del, p.Glu1603del (NM_001128844.3); c.4717_4719del, p.Glu1573del (NM_001128845.2); c.4714_4716del, p.Glu1572del (NM_001128846.2); c.4708_4710del, p.Glu1570del (NM_001128847.4, NM_001374457.1); c.4705_4707del, p.Glu1569del (NM_001128848.2); c.4903_4905del, p.Glu1635del (NM_001128849.3, NM_001387283.1); short protein forms E1569del, E1572del, E1635del, E1603del, E1570del, E1573del.
Identifiers: ClinVar variation 644966 (VCV000644966.11), dbSNP rs1600648184, ClinGen allele CA915952901.

ClinVar aggregate classification (germline): Uncertain significance. Review status: criteria provided, multiple submitters, no conflicts (2 of 4 stars). 2 submissions from 2 submitters: Uncertain significance (2). Last evaluated 2024-10-08.

Conditions:
Hereditary cancer-predisposing syndrome. Also called: Hereditary Cancer Syndrome; Tumor predisposition; Hereditary neoplastic syndrome; Neoplastic Syndromes, Hereditary. Identifiers: Orphanet 140162, MedGen C0027672, MeSH D009386, MONDO:0015356.
Rhabdoid tumor predisposition syndrome 2 (RTPS2). Identifiers: Orphanet 231108, Orphanet 69077, MedGen C2750074, MONDO:0013224, OMIM 613325.

Submissions (2):

Labcorp Genetics (formerly Invitae), Labcorp
Classification: Uncertain significance for Rhabdoid tumor predisposition syndrome 2. Last evaluated: 2024-10-08. Review status: criteria provided, single submitter. Criteria: Invitae Variant Classification Sherloc (09022015). Collection method: clinical testing. Allele origin: germline.
Comment: This variant, c.4903_4905del, results in the deletion of 1 amino acid(s) of the SMARCA4 protein (p.Glu1635del), but otherwise preserves the integrity of the reading frame. This variant is not present in population databases (gnomAD no frequency). This variant has not been reported in the literature in individuals affected with SMARCA4-related conditions. ClinVar contains an entry for this variant (Variation ID: 644966). Experimental studies and prediction algorithms are not available or were not evaluated, and the functional significance of this variant is currently unknown. In summary, the available evidence is currently insufficient to determine the role of this variant in disease. Therefore, it has been classified as a Variant of Uncertain Significance.

Ambry Genetics
Classification: Uncertain significance for Hereditary cancer-predisposing syndrome. Last evaluated: 2022-03-03. Review status: criteria provided, single submitter. Criteria: Ambry Variant Classification Scheme 2023. Collection method: clinical testing. Allele origin: germline.
Comment: The c.4903_4905delGAG variant (also known as p.E1635del) is located in coding exon 34 of the SMARCA4 gene. This variant results from an in-frame GAG deletion at nucleotide positions 4903 to 4905. This results in the in-frame deletion of a glutamic acid at codon 1635. This amino acid position is well conserved in available vertebrate species. Since supporting evidence is limited at this time, the clinical significance of this alteration remains unclear.